The following is an entry in ClinVar:

ClinVar aggregate classification (germline): Uncertain significance. Review status: criteria provided, multiple submitters, no conflicts (2 of 4 stars). 3 submissions from 3 submitters: Uncertain significance (3). Last evaluated 2025-08-11.

Conditions:
Hereditary cancer-predisposing syndrome. Also called: Neoplastic Syndromes, Hereditary; Tumor predisposition; Hereditary Cancer Syndrome; Hereditary neoplastic syndrome. Identifiers: Orphanet 140162, MedGen C0027672, MeSH D009386, MONDO:0015356.
Breast-ovarian cancer, familial, susceptibility to, 4. Identifiers: Orphanet 145, MedGen C3280345, MONDO:0013669, OMIM 614291.

gnomAD v4.1: 6 of 1,613,558 alleles (0.00037%); highest among the groups gnomAD compares: Non-Finnish European, 0.00051%; no homozygotes.

Submissions (3):

Ambry Genetics
Classification: Uncertain significance for Hereditary cancer-predisposing syndrome. Last evaluated: 2025-08-11. Review status: criteria provided, single submitter. Criteria: Ambry Variant Classification Scheme 2023. Collection method: clinical testing. Allele origin: germline.
Comment: The p.I86F variant (also known as c.256A>T), located in coding exon 3 of the RAD51D gene, results from an A to T substitution at nucleotide position 256. The isoleucine at codon 86 is replaced by phenylalanine, an amino acid with highly similar properties. This amino acid position is not well conserved in available vertebrate species. In addition, the in silico prediction for this alteration is inconclusive. Since supporting evidence is limited at this time, the clinical significance of this alteration remains unclear.

Labcorp Genetics (formerly Invitae), Labcorp
Classification: Uncertain significance for Breast-ovarian cancer, familial, susceptibility to, 4. Last evaluated: 2020-03-10. Review status: criteria provided, single submitter. Criteria: Invitae Variant Classification Sherloc (09022015). Collection method: clinical testing. Allele origin: germline.
Comment: In summary, the available evidence is currently insufficient to determine the role of this variant in disease. Therefore, it has been classified as a Variant of Uncertain Significance. Algorithms developed to predict the effect of missense changes on protein structure and function (SIFT, PolyPhen-2, Align-GVGD) all suggest that this variant is likely to be tolerated, but these predictions have not been confirmed by published functional studies and their clinical significance is uncertain. This variant has not been reported in the literature in individuals with RAD51D-related conditions. ClinVar contains an entry for this variant (Variation ID: 141859). This variant is not present in population databases (ExAC no frequency). This sequence change replaces isoleucine with phenylalanine at codon 86 of the RAD51D protein (p.Ile86Phe). The isoleucine residue is weakly conserved and there is a small physicochemical difference between isoleucine and phenylalanine.

Women's Health and Genetics/Laboratory Corporation of America, LabCorp
Classification: Uncertain significance. Last evaluated: 2018-04-30. Review status: criteria provided, single submitter. Criteria: LabCorp Variant Classification Summary - May 2015. Collection method: clinical testing. Allele origin: germline.
Comment: Variant summary: RAD51D c.256A>T (p.Ile86Phe) results in a non-conservative amino acid change located in the DNA recombination and repair protein RecA-like, ATP-binding domain of the encoded protein sequence. Three of five in-silico tools predict a benign effect of the variant on protein function. The variant was absent in 121286 control chromosomes. The available data on variant occurrences in the general population are insufficient to allow any conclusion about variant significance. To our knowledge, no occurrence of c.256A>T in individuals affected with Hereditary Breast and Ovarian Cancer and no experimental evidence demonstrating its impact on protein function have been reported. No clinical diagnostic laboratories have submitted clinical-significance assessments for this variant to ClinVar after 2014. Based on the evidence outlined above, the variant was classified as uncertain significance.

NM_002878.4(RAD51D):c.256A>T (p.Ile86Phe)

Genes: RAD51D (RAD51 paralog D; minus strand), RAD51L3-RFFL (RAD51L3-RFFL readthrough; minus strand). Cytogenetic location: 17q12.
Variant type: single nucleotide variant.
Coding change: c.256A>T on transcript NM_002878.4 (MANE Select); coding-DNA position 256, A replaced by T.
Protein change: p.Ile86Phe; replaces isoleucine 86 with phenylalanine.
Molecular consequence: missense variant. On other transcripts: intron variant (2).
Genome position (GRCh38, 1-based): chr17:35,118,508, T>A on the plus strand (A>T on the coding strand, the complement: RAD51D is on the minus strand). VCF-style: chr17-35118508-T-A. GRCh37 (hg19) VCF-style: chr17-33445527-T-A.
Other names: c.144+603A>T (NM_133629.3, NM_001142571.2); short protein forms I86F.
Identifiers: ClinVar variation 141859 (VCV000141859.16), dbSNP rs587782063, ClinGen allele CA166633.